The following is an entry in ClinVar:

NM_022458.4(LMBR1):c.423+4260T>C

Genes: LMBR1 (limb development membrane protein 1; minus strand), ZRS (ZPA regulatory sequence; plus strand). Cytogenetic location: 7q36.3.
Variant type: single nucleotide variant.
Coding change: c.423+4260T>C on transcript NM_022458.4 (MANE Select); 4260 bases into the intron after coding-DNA position 423, T replaced by C.
Molecular consequence: intron variant.
Genome position (GRCh38, 1-based): chr7:156,792,129, A>G on the plus strand (T>C on the coding strand, the complement: LMBR1 is on the minus strand). VCF-style: chr7-156792129-A-G. GRCh37 (hg19) VCF-style: chr7-156584823-A-G.
Other names: c.360+4260T>C (NM_001363412.2); c.144+4260T>C (NM_001350954.2); c.423+4260T>C (NM_001363410.2, NM_001363409.2, NM_001350953.2); c.-112+4260T>C (NM_001350958.2, NM_001350956.2, NM_001350955.2 and 1 more transcripts); c.54+4260T>C (NM_001350957.2, NM_001363411.2).
Identifiers: ClinVar variation 3356859 (VCV003356859.1).

ClinVar aggregate classification (germline): Uncertain significance (0 of 4 stars; one submission).

Conditions:
LMBR1-related disorder. Also called: LMBR1-related condition.

Submission:

PreventionGenetics, part of Exact Sciences
Classification: Uncertain significance for LMBR1-related condition. Last evaluated: 2024-03-26. Review status: no assertion criteria provided. Collection method: clinical testing. Allele origin: germline.
Comment: The LMBR1 c.423+4260T>C variant is predicted to interfere with splicing. This variant can also be defined as an intronic variant c.423+4260T>C (NM_022458.4) in intron 5 of the LMBR1 gene (chr7:156584823, GRCh37/hg19). To our knowledge, this variant has not been reported in the literature or in a large population database, indicating this variant is rare. Of note, variants within intron 5 of LMBR1 that impact the long-range regulatory element for SSH known as the zone of polarizing activity regulatory sequence (ZRS) (~chr7:156,583,402-156,585,773, GRCh37/hg19) have been documented in patients with polydactyly and digit anomalies (Dai et al. 2013. PubMed ID:23793141; Xiang et al. 2017. PubMed ID: 28127823; Potuijt et al. 2020. PubMed ID: 32179704; Xu et al. 2020. PubMed ID: 31395945). At this time, the clinical significance of this variant is uncertain due to the absence of conclusive functional and genetic evidence.